The following is an entry in ClinVar:

NM_002113.3(CFHR1):c.869T>C (p.Leu290Ser)

Gene: CFHR1 (complement factor H related 1; plus strand). Cytogenetic location: 1q31.3.
Variant type: single nucleotide variant.
Coding change: c.869T>C on transcript NM_002113.3 (MANE Select); coding-DNA position 869, T replaced by C.
Protein change: p.Leu290Ser; replaces leucine 290 with serine.
Molecular consequence: missense variant.
Genome position (GRCh38, 1-based): chr1:196,831,875, T>C. VCF-style: chr1-196831875-T-C. GRCh37 (hg19) VCF-style: chr1-196801005-T-C.
Other names: p.Leu290Ser; c.818T>C, p.Leu273Ser (NM_001379306.1); c.707T>C, p.Leu236Ser (NM_001379307.1); c.704T>C, p.Leu235Ser (NM_001379308.1); c.701T>C, p.Leu234Ser (NM_001379309.1); c.665T>C, p.Leu222Ser (NM_001379311.1); c.626T>C, p.Leu209Ser (NM_001379312.1); c.674T>C, p.Leu225Ser (NM_001379310.1); short protein forms L209S, L222S, L225S, L234S, L235S, L236S, L273S, L290S.
Identifiers: ClinVar variation 1343368 (VCV001343368.7), dbSNP rs200832275, ClinGen allele CA1306619.

ClinVar aggregate classification (germline): Conflicting classifications of pathogenicity. Review status: criteria provided, conflicting classifications (1 of 4 stars). 2 submissions from 2 submitters: Likely pathogenic (1); Uncertain significance (1). Last evaluated 2025-03-24.

Conditions:
Hemolytic uremic syndrome, atypical, susceptibility to, 1. Also called: AHUS, SUSCEPTIBILITY TO, 1. Identifiers: Orphanet 2134, Orphanet 90038, MedGen C2749604, MONDO:0009335, OMIM 235400. Disease mechanism: Other.

Allele frequency attached by ClinVar (database versions not stated): ExAC 0.00003; gnomAD exomes 0.00002 and 0.00001.

Submissions (2):

Mayo Clinic Laboratories, Mayo Clinic
Classification: Likely pathogenic. Last evaluated: 2025-03-24. Review status: criteria provided, single submitter. Criteria: ACMG Guidelines, 2015. Collection method: clinical testing. Allele origin: germline. Observed: 7 variant alleles.
Comment: BP4, PS3, PS4_moderate

Victorian Clinical Genetics Services, Murdoch Childrens Research Institute
Classification: Uncertain significance for Hemolytic uremic syndrome, atypical, susceptibility to, 1. Last evaluated: 2024-10-08. Review status: criteria provided, single submitter. Criteria: ACMG Guidelines, 2015. Collection method: clinical testing. Allele origin: germline.
Comment: Based on the classification scheme VCGS_Germline_v1.3.4, this variant is classified as VUS-3B. Following criteria are met: 0101 - Gain of function is a known mechanism of disease in this gene and is associated with hemolytic uremic syndrome, atypical, susceptibility to (MIM#235400) and macular degeneration, age-related, reduced risk of (MIM#603075). (I) 0108 - This gene is associated with both recessive and dominant disease. (I) 0200 - Variant is predicted to result in a missense amino acid change from leucine to serine. (I) 0252 - This variant is homozygous. (I) 0304 - Variant is present in gnomAD (v3) <0.01 (22 heterozygotes, 2 homozygotes). (SP) 0504 - Same amino acid change has been observed in placental mammals. (SB) 0603 - Variant is located in the annotated sushi domain (DECIPHER). (I) 0704 - Another missense variant comparable to the one identified in this case has limited previous evidence for pathogenicity. This variant has also been shown to increase sialic acid binding, competing with FH and impairing complement regulation (PMID: 33651882). (SP) 0809 - Previous evidence of pathogenicity for this variant is inconclusive. This variant in cis with p.(Ala296Val) has been reported in multiple individuals with atypical haemolytic-uremic syndrome (aHUS). These two variants result in the c-terminal of the FHR-1 protein converting into the almost identical c-terminal of the FH protein. The p.(Leu290Ser) variant has not been previously reported in an individual with aHUS without being in cis with the p.(Ala296Val) variant (PMID: 28993505). (I) 0905 - No published segregation evidence has been identified for this variant. (I) 1001 - This variant has strong functional evidence supporting abnormal protein function. This variant on its own has been shown to increase sialic acid binding, competing with FH and impairing complement regulation. The effect was stronger when in cis with the p.(Ala296Val) variant (PMID: 33651882). (I) Legend: (SP) - Supporting pathogenic, (I) - Information, (SB) - Supporting benign

Literature cited by the submitters: PubMed 28339660 (cited by Mayo Clinic Laboratories, Mayo Clinic); PubMed 28911789 (cited by Mayo Clinic Laboratories, Mayo Clinic); PubMed 28993505 (cited by Mayo Clinic Laboratories, Mayo Clinic and Victorian Clinical Genetics Services, Murdoch Childrens Research Institute); PubMed 33651882 (cited by Mayo Clinic Laboratories, Mayo Clinic and Victorian Clinical Genetics Services, Murdoch Childrens Research Institute); PubMed 33732239 (cited by Mayo Clinic Laboratories, Mayo Clinic); PubMed 35545301 (cited by Mayo Clinic Laboratories, Mayo Clinic); PubMed 37369098 (cited by Mayo Clinic Laboratories, Mayo Clinic).